The following is an entry in ClinVar:

NM_001388303.1(HECTD4):c.6805T>G (p.Ser2269Ala)

Gene: HECTD4 (HECT domain E3 ubiquitin protein ligase 4; minus strand). Cytogenetic location: 12q24.13.
Variant type: single nucleotide variant.
Coding change: c.6805T>G on transcript NM_001388303.1 (MANE Select); coding-DNA position 6805, T replaced by G.
Protein change: p.Ser2269Ala; replaces serine 2269 with alanine.
Molecular consequence: missense variant.
Genome position (GRCh38, 1-based): chr12:112,228,138, A>C on the plus strand (T>G on the coding strand, the complement: HECTD4 is on the minus strand). VCF-style: chr12-112228138-A-C. GRCh37 (hg19) VCF-style: chr12-112665942-A-C.
Other names: c.6835T>G, p.Ser2279Ala (NM_001109662.4); short protein forms S2269A, S2279A.
Identifiers: ClinVar variation 2628413 (VCV002628413.1), dbSNP rs1593953072, ClinGen allele CA386777278.
Genomic context (GRCh38, chr12:112,228,138, plus strand): 5'-AGGGTACTCACCTTGTCCTTATTTCAGCAAGGAGCCGAACGACTGCCATCACAGGAGCTG[A>C]CCCATCTCCTGTTGCAGGAAGTGAGGTGTGAATAGAGAGACTTCCCTCCTGAGGAAGCAA-3'
Protein context (NP_001375232.1, residues 2259-2279): HTSLPATGDG[Ser2269Ala]APVMAVVRLL

ClinVar aggregate classification (germline): Uncertain significance (1 of 4 stars; one submission).

Conditions:
HECTD4-related disorder. Also called: HECTD4-related condition.

Submission:

PreventionGenetics, part of Exact Sciences
Classification: Uncertain significance for HECTD4-related condition. Last evaluated: 2022-10-07. Review status: criteria provided, single submitter. Criteria: ACMG Guidelines, 2015. Collection method: clinical testing. Allele origin: germline.
Comment: The HECTD4 c.6403T>G variant is predicted to result in the amino acid substitution p.Ser2135Ala. To our knowledge, this variant has not been reported in the literature or in a large population database, indicating this variant is rare. At this time, the clinical significance of this variant is uncertain due to the absence of conclusive functional and genetic evidence.